The following is an entry in ClinVar:

ClinVar aggregate classification (germline): Uncertain significance (1 of 4 stars; one submission).

Submission:

GeneDx
Classification: Uncertain significance. Last evaluated: 2022-12-22. Review status: criteria provided, single submitter. Criteria: GeneDx Variant Classification Process June 2021. Collection method: clinical testing. Allele origin: germline. Affected: yes.
Comment: Not observed at significant frequency in large population cohorts (gnomAD); In silico analysis supports that this missense variant has a deleterious effect on protein structure/function; Has not been previously published as pathogenic or benign to our knowledge

NM_000387.6(SLC25A20):c.224T>C (p.Met75Thr)

Gene: SLC25A20 (solute carrier family 25 member 20; minus strand). Cytogenetic location: 3p21.31.
Variant type: single nucleotide variant.
Coding change: c.224T>C on transcript NM_000387.6 (MANE Select); coding-DNA position 224, T replaced by C.
Protein change: p.Met75Thr; replaces methionine 75 with threonine.
Molecular consequence: missense variant.
Genome position (GRCh38, 1-based): chr3:48,884,099, A>G on the plus strand (T>C on the coding strand, the complement: SLC25A20 is on the minus strand). VCF-style: chr3-48884099-A-G. GRCh37 (hg19) VCF-style: chr3-48921532-A-G.
Other names: short protein forms M75T.
Identifiers: ClinVar variation 2506846 (VCV002506846.1), dbSNP rs2470603735, ClinGen allele CA352634739.